The following is an entry in ClinVar:

NM_000257.4(MYH7):c.5420G>A (p.Gly1807Asp)

Gene: MYH7 (myosin heavy chain 7; minus strand). Cytogenetic location: 14q11.2.
Variant type: single nucleotide variant.
Coding change: c.5420G>A on transcript NM_000257.4 (MANE Select); coding-DNA position 5420, G replaced by A.
Protein change: p.Gly1807Asp; replaces glycine 1807 with aspartic acid.
Molecular consequence: missense variant.
Genome position (GRCh38, 1-based): chr14:23,415,134, C>T on the plus strand (G>A on the coding strand, the complement: MYH7 is on the minus strand). VCF-style: chr14-23415134-C-T. GRCh37 (hg19) VCF-style: chr14-23884343-C-T.
Other names: c.5420G>A, p.Gly1807Asp (NM_001407004.1); short protein forms G1807D.
Identifiers: ClinVar variation 1721149 (VCV001721149.5), dbSNP rs2502239168, ClinGen allele CA389035480.

ClinVar aggregate classification (germline): Uncertain significance (1 of 4 stars; one submission).

Conditions:
Hypertrophic cardiomyopathy. Also called: HYPERTROPHIC MYOCARDIOPATHY. Identifiers: Orphanet 217569, MedGen C0007194, MeSH D002312, MONDO:0005045, HP:0001639.

Submission:

Labcorp Genetics (formerly Invitae), Labcorp
Classification: Uncertain significance for Hypertrophic cardiomyopathy. Last evaluated: 2024-05-06. Review status: criteria provided, single submitter. Criteria: Invitae Variant Classification Sherloc (09022015). Collection method: clinical testing. Allele origin: germline.
Comment: This sequence change replaces glycine, which is neutral and non-polar, with aspartic acid, which is acidic and polar, at codon 1807 of the MYH7 protein (p.Gly1807Asp). This variant is not present in population databases (gnomAD no frequency). This variant has not been reported in the literature in individuals affected with MYH7-related conditions. ClinVar contains an entry for this variant (Variation ID: 1721149). Advanced modeling of protein sequence and biophysical properties (such as structural, functional, and spatial information, amino acid conservation, physicochemical variation, residue mobility, and thermodynamic stability) performed at Invitae indicates that this missense variant is expected to disrupt MYH7 protein function with a positive predictive value of 95%. In summary, the available evidence is currently insufficient to determine the role of this variant in disease. Therefore, it has been classified as a Variant of Uncertain Significance.